The following is an entry in ClinVar:

ClinVar aggregate classification (germline): Uncertain significance (1 of 4 stars; one submission).

Conditions:
Myopathy, proximal, and ophthalmoplegia (CMYO6). Also called: INCLUSION BODY MYOPATHY 3, AUTOSOMAL DOMINANT; CONGENITAL MYOPATHY 6 WITH OPHTHALMOPLEGIA; MYOPATHY WITH CONGENITAL JOINT CONTRACTURES, OPHTHALMOPLEGIA, AND RIMMED VACUOLES. Identifiers: Orphanet 363677, Orphanet 79091, MedGen C1854106, MONDO:0011577, OMIM 605637.

Allele frequency attached by ClinVar (database versions not stated): gnomAD below 0.00001 and 0.00003; 1000 Genomes Project 30x 0.00031; 1000 Genomes Project 0.00040.
gnomAD v4.1: 75 of 1,614,238 alleles (0.0046%); highest among the groups gnomAD compares: South Asian, 0.078%; 2 homozygotes.

Submission:

Labcorp Genetics (formerly Invitae), Labcorp
Classification: Uncertain significance for Myopathy, proximal, and ophthalmoplegia. Last evaluated: 2025-12-01. Review status: criteria provided, single submitter. Criteria: Invitae Variant Classification Sherloc (09022015). Collection method: clinical testing. Allele origin: germline.
Comment: This sequence change replaces arginine, which is basic and polar, with glycine, which is neutral and non-polar, at codon 1343 of the MYH2 protein (p.Arg1343Gly). This variant is present in population databases (rs145911509, gnomAD 0.08%), including at least one homozygous and/or hemizygous individual. This missense change has been observed in individual(s) with MYH2-related conditions (PMID: 31069529). ClinVar contains an entry for this variant (Variation ID: 848241). Invitae Evidence Modeling of protein sequence and biophysical properties (such as structural, functional, and spatial information, amino acid conservation, physicochemical variation, residue mobility, and thermodynamic stability) indicates that this missense variant is expected to disrupt MYH2 protein function with a positive predictive value of 80%. In summary, the available evidence is currently insufficient to determine the role of this variant in disease. Therefore, it has been classified as a Variant of Uncertain Significance.

Literature cited by the submitters: PubMed 31069529.

NM_017534.6(MYH2):c.4027C>G (p.Arg1343Gly)

Genes: MYHAS (myosin heavy chain gene cluster antisense RNA; plus strand), MYH2 (myosin heavy chain 2; minus strand). Cytogenetic location: 17p13.1.
Variant type: single nucleotide variant.
Coding change: c.4027C>G on transcript NM_017534.6 (MANE Select); coding-DNA position 4027, C replaced by G.
Protein change: p.Arg1343Gly; replaces arginine 1343 with glycine.
Molecular consequence: missense variant.
Genome position (GRCh38, 1-based): chr17:10,526,759, G>C on the plus strand (C>G on the coding strand, the complement: MYH2 is on the minus strand). VCF-style: chr17-10526759-G-C. GRCh37 (hg19) VCF-style: chr17-10430076-G-C.
Other names: c.4027C>G, p.Arg1343Gly (NM_001100112.2); short protein forms R1343G.
Identifiers: ClinVar variation 848241 (VCV000848241.7), dbSNP rs145911509, ClinGen allele CA8390741.
Genomic context (GRCh38, chr17:10,526,759, plus strand): 5'-GCTCGGCCTTGGATTCCTGCTCCTCCTCATACTGTTCCCGCAGCAGGTCACAGTCGTGGC[G>C]GGAAGACTGCAGGGCATGCGCCAGGGCGTTCTTGGCCTATGGAGGCAGTTACACCTTCAT-3'
Protein context (NP_060004.3, residues 1333-1353): NALAHALQSS[Arg1343Gly]HDCDLLREQY